The following is an entry in ClinVar:

NM_000112.4(SLC26A2):c.1735A>G (p.Lys579Glu)

Gene: SLC26A2 (solute carrier family 26 member 2; plus strand). Cytogenetic location: 5q32.
Variant type: single nucleotide variant.
Coding change: c.1735A>G on transcript NM_000112.4 (MANE Select); coding-DNA position 1735, A replaced by G.
Protein change: p.Lys579Glu; replaces lysine 579 with glutamic acid.
Molecular consequence: missense variant.
Genome position (GRCh38, 1-based): chr5:149,981,328, A>G. VCF-style: chr5-149981328-A-G. GRCh37 (hg19) VCF-style: chr5-149360891-A-G.
Other names: short protein forms K579E.
Identifiers: ClinVar variation 1482503 (VCV001482503.5), dbSNP rs375785597, ClinGen allele CA3505482.

ClinVar aggregate classification (germline): Uncertain significance (1 of 4 stars; one submission).

Conditions:
Achondrogenesis, type IB (ACG1B). Also called: Achondrogenesis Type 1B. Identifiers: Orphanet 932, Orphanet 93298, MedGen C0265274, MONDO:0010966, OMIM 600972.
Diastrophic dysplasia (DTD). Also called: Diastrophic dwarfism. Identifiers: Orphanet 628, MedGen C0220726, MONDO:0009107, OMIM 222600.
Multiple epiphyseal dysplasia type 4 (EDM4). Also called: SLC26A2-Related Multiple Epiphyseal Dysplasia; Multiple Epiphyseal Dysplasia, Recessive; MULTIPLE EPIPHYSEAL DYSPLASIA WITH BILAYERED PATELLAE; MULTIPLE EPIPHYSEAL DYSPLASIA WITH CLUBFOOT; MULTIPLE EPIPHYSEAL DYSPLASIA, AUTOSOMAL RECESSIVE. Identifiers: Orphanet 93307, MedGen C1847593, MONDO:0009189, OMIM 226900.
Atelosteogenesis type II (AO2). Also called: NEONATAL OSSEOUS DYSPLASIA I; Neonatal osseous dysplasia 1; SLC26A2-Related Atelosteogenesis. Identifiers: Orphanet 56304, MedGen C1850554, MONDO:0009727, OMIM 256050.

Allele frequency attached by ClinVar (database versions not stated): gnomAD exomes 0.00001 and 0.00003; ExAC 0.00004; ESP Exome Variant Server 0.00008.

Submission:

Labcorp Genetics (formerly Invitae), Labcorp
Classification: Uncertain significance for Atelosteogenesis type II; Multiple epiphyseal dysplasia type 4; Achondrogenesis, type IB; Diastrophic dysplasia. Last evaluated: 2021-08-20. Review status: criteria provided, single submitter. Criteria: Invitae Variant Classification Sherloc (09022015). Collection method: clinical testing. Allele origin: germline.
Comment: This sequence change replaces lysine with glutamic acid at codon 579 of the SLC26A2 protein (p.Lys579Glu). The lysine residue is moderately conserved and there is a small physicochemical difference between lysine and glutamic acid. This variant is present in population databases (rs375785597, ExAC 0.03%). This variant has not been reported in the literature in individuals affected with SLC26A2-related conditions. Algorithms developed to predict the effect of missense changes on protein structure and function are either unavailable or do not agree on the potential impact of this missense change (SIFT: "Tolerated"; PolyPhen-2: "Possibly Damaging"; Align-GVGD: "Class C0"). In summary, the available evidence is currently insufficient to determine the role of this variant in disease. Therefore, it has been classified as a Variant of Uncertain Significance.